The following is an entry in ClinVar:

NM_001042432.2(CLN3):c.963-2A>G

Gene: CLN3 (CLN3 lysosomal/endosomal transmembrane protein, battenin; minus strand). Cytogenetic location: 16p12.1.
Variant type: single nucleotide variant.
Coding change: c.963-2A>G on transcript NM_001042432.2 (MANE Select); the canonical splice acceptor site of the intron before coding-DNA position 963, A replaced by G.
Molecular consequence: splice acceptor variant.
Genome position (GRCh38, 1-based): chr16:28,482,200, T>C on the plus strand (A>G on the coding strand, the complement: CLN3 is on the minus strand). VCF-style: chr16-28482200-T-C. GRCh37 (hg19) VCF-style: chr16-28493521-T-C.
Other names: c.729-2A>G (NM_001286109.2); c.891-2A>G (NM_001286104.2); c.663-2A>G (NM_001286105.2); c.801-2A>G (NM_001286110.2); c.963-2A>G (NM_000086.2).
Identifiers: ClinVar variation 853130 (VCV000853130.8), dbSNP rs1418997146, ClinGen allele CA395344243.

ClinVar aggregate classification (germline): Likely pathogenic (1 of 4 stars; one submission).

Conditions:
Neuronal ceroid lipofuscinosis. Also called: Neuronal Ceroid Lipofuscinoses. Identifiers: Orphanet 216, Orphanet 79263, MedGen C0027877, MONDO:0016295. Disease mechanism: loss of function.

Submission:

Labcorp Genetics (formerly Invitae), Labcorp
Classification: Likely pathogenic for Neuronal ceroid lipofuscinosis. Last evaluated: 2023-10-16. Review status: criteria provided, single submitter. Criteria: Invitae Variant Classification Sherloc (09022015). Collection method: clinical testing. Allele origin: germline.
Comment: This sequence change affects an acceptor splice site in intron 13 of the CLN3 gene. It is expected to disrupt RNA splicing. Variants that disrupt the donor or acceptor splice site typically lead to a loss of protein function (PMID: 16199547), and loss-of-function variants in CLN3 are known to be pathogenic (PMID: 9311735, 28542676). This variant is not present in population databases (gnomAD no frequency). Disruption of this splice site has been observed in individual(s) with neuronal ceroid lipofuscinosis (PMID: 21990111). ClinVar contains an entry for this variant (Variation ID: 853130). Algorithms developed to predict the effect of sequence changes on RNA splicing suggest that this variant may disrupt the consensus splice site. In summary, the currently available evidence indicates that the variant is pathogenic, but additional data are needed to prove that conclusively. Therefore, this variant has been classified as Likely Pathogenic.

Literature cited by the submitters: PubMed 16199547; PubMed 9311735; PubMed 28542676; PubMed 21990111.